The following is an entry in ClinVar:

NM_020738.4(KIDINS220):c.2408T>A (p.Ile803Asn)

Gene: KIDINS220 (kinase D interacting substrate 220; minus strand). Cytogenetic location: 2p25.1.
Variant type: single nucleotide variant.
Coding change: c.2408T>A on transcript NM_020738.4 (MANE Select); coding-DNA position 2408, T replaced by A.
Protein change: p.Ile803Asn; replaces isoleucine 803 with asparagine.
Molecular consequence: missense variant. On other transcripts: non-coding transcript variant (2).
Genome position (GRCh38, 1-based): chr2:8,779,102, A>T on the plus strand (T>A on the coding strand, the complement: KIDINS220 is on the minus strand). VCF-style: chr2-8779102-A-T. GRCh37 (hg19) VCF-style: chr2-8919232-A-T.
Other names: c.2411T>A, p.Ile804Asn (NM_001348729.2, NM_001348731.2, NM_001348734.2 and 3 more transcripts); c.2408T>A, p.Ile803Asn (NM_001348732.2, NM_001348735.2, NM_001348738.2 and 3 more transcripts); c.2282T>A, p.Ile761Asn (NM_001348736.2); short protein forms I804N, I761N, I803N.
Identifiers: ClinVar variation 4996770 (VCV004996770.1).

ClinVar aggregate classification (germline): Uncertain significance (1 of 4 stars; one submission).

Conditions:
KIDINS220-related disorder. Also called: KIDINS220-related condition.

gnomAD v4.1: 12 of 1,613,960 alleles (0.00074%); highest among the groups gnomAD compares: Non-Finnish European, 0.001%; no homozygotes.

Submission:

PreventionGenetics, part of Exact Sciences
Classification: Uncertain significance for KIDINS220-related condition. Last evaluated: 2024-12-27. Review status: criteria provided, single submitter. Criteria: ACMG Guidelines, 2015. Collection method: clinical testing. Allele origin: germline.
Comment: The KIDINS220 c.2408T>A variant is predicted to result in the amino acid substitution p.Ile803Asn. To our knowledge, this variant has not been reported in the literature or in a large population database (gnomAD), indicating this variant is rare. At this time, the clinical significance of this variant is uncertain due to the absence of conclusive functional and genetic evidence.